The following is an entry in ClinVar:

ClinVar aggregate classification (germline): Uncertain significance. Review status: criteria provided, multiple submitters, no conflicts (2 of 4 stars). 3 submissions from 3 submitters: Uncertain significance (3). Last evaluated 2026-03-17.

Conditions:
Familial thoracic aortic aneurysm and aortic dissection (TAAD). Also called: Thoracic aortic aneurysms and dissections. Identifiers: Orphanet 91387, MedGen C4707243, MONDO:0019625.

Allele frequency attached by ClinVar (database versions not stated): gnomAD exomes below 0.00001.
gnomAD v4.1: 5 of 1,614,194 alleles (0.00031%); highest among the groups gnomAD compares: Non-Finnish European, 0.00042%; no homozygotes.

Submissions (3):

GeneDx
Classification: Uncertain significance. Last evaluated: 2026-03-17. Review status: criteria provided, single submitter. Criteria: GeneDx Variant Classification Process June 2021. Collection method: clinical testing. Allele origin: germline.
Comment: Not observed at significant frequency in large population cohorts (gnomAD); In silico analysis supports that this missense variant has a deleterious effect on protein structure/function; Has not been previously published as pathogenic or benign to our knowledge

Color Diagnostics, LLC DBA Color Health
Classification: Uncertain significance for Familial thoracic aortic aneurysm and aortic dissection. Last evaluated: 2023-12-05. Review status: criteria provided, single submitter. Criteria: ACMG Guidelines, 2015. Collection method: clinical testing. Allele origin: germline.
Comment: Variant of Uncertain Significance due to insufficient evidence: This missense variant replaces glutamine with lysine at codon 227 of the MYH11 protein. Computational prediction tools and conservation analyses suggest that this variant may have deleterious impact on the protein function. Computational splicing tools suggest that this variant may not impact RNA splicing. To our knowledge, functional assays have not been performed for this variant nor has this variant been reported in individuals affected with cardiovascular disorders in the literature. This variant has been identified in 1/251168 chromosomes in the general population by the Genome Aggregation Database (gnomAD). Available evidence is insufficient to determine the role of this variant in disease conclusively.

All of Us Research Program, National Institutes of Health
Classification: Uncertain significance for Familial thoracic aortic aneurysm and aortic dissection. Last evaluated: 2023-05-23. Review status: criteria provided, single submitter. Criteria: ACMG Guidelines, 2015. Collection method: clinical testing. Allele origin: germline. Inheritance: Autosomal dominant inheritance. Observed: 1 variant allele, 1 heterozygote.
Comment: Variant of Uncertain Significance due to insufficient evidence: This missense variant replaces glutamine with lysine at codon 227 of the MYH11 protein. Computational prediction tools and conservation analyses suggest that this variant may have deleterious impact on the protein function. Computational splicing tools suggest that this variant may not impact RNA splicing. To our knowledge, functional assays have not been performed for this variant nor has this variant been reported in individuals affected with cardiovascular disorders in the literature. This variant has been identified in 1/251168 chromosomes in the general population by the Genome Aggregation Database (gnomAD). Available evidence is insufficient to determine the role of this variant in disease conclusively.

This study involves interpretation of variants in research participants for the purpose of population health screening. Participant phenotype was not available at the time of variant classification. Additional details can be found in publication PMID: 35346344, PMCID: PMC8962531

NM_002474.3(MYH11):c.658C>A (p.Gln220Lys)

Gene: MYH11 (myosin heavy chain 11; minus strand). Cytogenetic location: 16p13.11.
Variant type: single nucleotide variant.
Coding change: c.658C>A on transcript NM_002474.3 (MANE Select); coding-DNA position 658, C replaced by A.
Protein change: p.Gln220Lys; replaces glutamine 220 with lysine.
Molecular consequence: missense variant.
Genome position (GRCh38, 1-based): chr16:15,782,453, G>T on the plus strand (C>A on the coding strand, the complement: MYH11 is on the minus strand). VCF-style: chr16-15782453-G-T. GRCh37 (hg19) VCF-style: chr16-15876310-G-T.
Other names: c.679C>A, p.Gln227Lys (NM_001040113.2, NM_001040114.2); c.658C>A, p.Gln220Lys (NM_022844.3); c.658C>A (NM_002474.2); short protein forms Q220K, Q227K.
Identifiers: ClinVar variation 927472 (VCV000927472.7), dbSNP rs1331223159, ClinGen allele CA394871380.
Genomic context (GRCh38, chr16:15,782,453, plus strand): 5'-AGGAGTTGTCGTTCTTCACTGTTTTGGCGTTGCCGAAAGCCTCCAGAATCGGGTTTGCTT[G>T]TAGAAGCTGCTTTTCCAGCTCTCCCTAAAATTCATTCACATCTAGTTATTGGAGAAAGCA-3'
Protein context (NP_002465.1, residues 210-230): ITGELEKQLL[Gln220Lys]ANPILEAFGN